The following is an entry in ClinVar:

NM_000051.4(ATM):c.7720A>C (p.Lys2574Gln)

Genes: ATM (ATM serine/threonine kinase; plus strand), C11orf65 (chromosome 11 open reading frame 65; minus strand). Cytogenetic location: 11q22.3.
Variant type: single nucleotide variant.
Coding change: c.7720A>C on transcript NM_000051.4 (MANE Select); coding-DNA position 7720, A replaced by C.
Protein change: p.Lys2574Gln; replaces lysine 2574 with glutamine.
Molecular consequence: missense variant. On other transcripts: intron variant (2).
Genome position (GRCh38, 1-based): chr11:108,331,969, A>C. VCF-style: chr11-108331969-A-C. GRCh37 (hg19) VCF-style: chr11-108202696-A-C.
Other names: c.641-22898T>G (NM_001330368.2); c.*38+3251T>G (NM_001351110.2); c.7720A>C, p.Lys2574Gln (NM_001351834.2); short protein forms K2574Q.
Identifiers: ClinVar variation 481303 (VCV000481303.19), dbSNP rs1357229307, ClinGen allele CA382561079.

ClinVar aggregate classification (germline): Uncertain significance. Review status: criteria provided, multiple submitters, no conflicts (2 of 4 stars). 4 submissions from 4 submitters: Uncertain significance (4). Last evaluated 2025-11-03.

Conditions:
Hereditary cancer-predisposing syndrome. Also called: Neoplastic Syndromes, Hereditary; Hereditary Cancer Syndrome; Tumor predisposition; Hereditary neoplastic syndrome. Identifiers: Orphanet 140162, MedGen C0027672, MeSH D009386, MONDO:0015356.
Ataxia-telangiectasia syndrome (AT). Also called: LOUIS-BAR SYNDROME; Cerebello-oculocutaneous telangiectasia; Immunodeficiency with ataxia telangiectasia; Ataxia-telangiectasia, complementation group D; AT, COMPLEMENTATION GROUP C; Ataxia-telangiectasia, complementation group E. Identifiers: Orphanet 100, MedGen C0004135, MONDO:0008840, OMIM 208900.

Allele frequency attached by ClinVar (database versions not stated): TOPMed below 0.00001; gnomAD 0.00001.
gnomAD v4.1: 1 of 1,614,028 alleles (0.000062%); highest among the groups gnomAD compares: African/African-American, 0.0013%; no homozygotes.

Submissions (4):

Color Diagnostics, LLC DBA Color Health
Classification: Uncertain significance for Hereditary cancer-predisposing syndrome. Last evaluated: 2025-11-03. Review status: criteria provided, single submitter. Criteria: ACMG Guidelines, 2015. Collection method: clinical testing. Allele origin: germline.
Comment: This missense variant replaces lysine with glutamine at codon 2574 of the ATM protein. Computational prediction suggests that this variant may not impact protein structure and function. To our knowledge, functional studies have not been reported for this variant. This variant has not been reported in individuals affected with ATM-related disorders in the literature. This variant has been identified in 1/152254 chromosomes in the general population by the Genome Aggregation Database (gnomAD). The available evidence is insufficient to determine the role of this variant in disease conclusively. Therefore, this variant is classified as a Variant of Uncertain Significance.

Ambry Genetics
Classification: Uncertain significance for Hereditary cancer-predisposing syndrome. Last evaluated: 2025-10-22. Review status: criteria provided, single submitter. Criteria: Ambry Variant Classification Scheme 2023. Collection method: clinical testing. Allele origin: germline.
Comment: The p.K2574Q variant (also known as c.7720A>C), located in coding exon 51 of the ATM gene, results from an A to C substitution at nucleotide position 7720. The lysine at codon 2574 is replaced by glutamine, an amino acid with similar properties. This amino acid position is well conserved in available vertebrate species. In addition, this alteration is predicted to be tolerated by in silico analysis. Since supporting evidence is limited at this time, the clinical significance of this alteration remains unclear.

Labcorp Genetics (formerly Invitae), Labcorp
Classification: Uncertain significance for Ataxia-telangiectasia syndrome. Last evaluated: 2025-08-03. Review status: criteria provided, single submitter. Criteria: Invitae Variant Classification Sherloc (09022015). Collection method: clinical testing. Allele origin: germline.
Comment: This sequence change replaces lysine, which is basic and polar, with glutamine, which is neutral and polar, at codon 2574 of the ATM protein (p.Lys2574Gln). This variant is present in population databases (no rsID available, gnomAD 0.01%). This variant has not been reported in the literature in individuals affected with ATM-related conditions. ClinVar contains an entry for this variant (Variation ID: 481303). Invitae Evidence Modeling of protein sequence and biophysical properties (such as structural, functional, and spatial information, amino acid conservation, physicochemical variation, residue mobility, and thermodynamic stability) indicates that this missense variant is not expected to disrupt ATM protein function with a negative predictive value of 95%. In summary, the available evidence is currently insufficient to determine the role of this variant in disease. Therefore, it has been classified as a Variant of Uncertain Significance.

GeneDx
Classification: Uncertain significance. Last evaluated: 2019-09-04. Review status: criteria provided, single submitter. Criteria: GeneDx Variant Classification Process June 2021. Collection method: clinical testing. Allele origin: germline. Affected: yes.
Comment: Not observed at a significant frequency in large population cohorts (Lek 2016); In silico analysis, which includes protein predictors and evolutionary conservation, supports that this variant does not alter protein structure/function; Has not been previously published as pathogenic or benign to our knowledge